The following is an entry in ClinVar:

NM_015450.3(POT1):c.1569G>A (p.Ser523=)

Gene: POT1 (protection of telomeres 1; minus strand). Cytogenetic location: 7q31.33.
Variant type: single nucleotide variant.
Coding change: c.1569G>A on transcript NM_015450.3 (MANE Select); coding-DNA position 1569, G replaced by A.
Protein change: p.Ser523=; no amino-acid change (serine 523 retained).
Molecular consequence: synonymous variant. On other transcripts: non-coding transcript variant (2).
Genome position (GRCh38, 1-based): chr7:124,829,279, C>T on the plus strand (G>A on the coding strand, the complement: POT1 is on the minus strand). VCF-style: chr7-124829279-C-T. GRCh37 (hg19) VCF-style: chr7-124469333-C-T.
Other names: c.1176G>A, p.Ser392= (NM_001042594.2).
Identifiers: ClinVar variation 475052 (VCV000475052.20), dbSNP rs773176095, ClinGen allele CA4465072.
Genomic context (GRCh38, chr7:124,829,279, plus strand): 5'-CAGTTAAAATTGCAGGGCATGGAAATTTAGCTAACCTTCTGCCACAGAAGAAGGAATCCA[C>T]GATGTTTTATCAACCAGGGAATTTAGATTTTGTATGGATCTCAAACTAGAACACTGTTTA-3'
Protein context (NP_056265.2, residues 513-533): QNLNSLVDKT[Ser523=]WIPSSVAEAL

ClinVar aggregate classification (germline): Conflicting classifications of pathogenicity. Review status: criteria provided, conflicting classifications (1 of 4 stars). 4 submissions from 4 submitters: Uncertain significance (1); Likely benign (3). Last evaluated 2026-01-25.

Conditions:
Hereditary cancer-predisposing syndrome. Also called: Tumor predisposition; Hereditary Cancer Syndrome; Neoplastic Syndromes, Hereditary; Hereditary neoplastic syndrome. Identifiers: Orphanet 140162, MedGen C0027672, MeSH D009386, MONDO:0015356.
Tumor predisposition syndrome 3 (TPDS3). Also called: Melanoma, cutaneous malignant, susceptibility to, 10; Glioma susceptibility 9; LONG TELOMERE SYNDROME, POT1-RELATED; POT1 Tumor Predisposition. Identifiers: Orphanet 618, MedGen C4014476, MONDO:0014368, OMIM 615848.

Allele frequency attached by ClinVar (database versions not stated): ExAC 0.00002; gnomAD 0.00002; TOPMed 0.00002; gnomAD exomes 0.00004.
gnomAD v4.1: 61 of 1,604,662 alleles (0.0038%); highest among the groups gnomAD compares: South Asian, 0.0077%; no homozygotes.

Submissions (4):

Labcorp Genetics (formerly Invitae), Labcorp
Classification: Likely benign for Tumor predisposition syndrome 3. Last evaluated: 2026-01-25. Review status: criteria provided, single submitter. Criteria: Invitae Variant Classification Sherloc (09022015). Collection method: clinical testing. Allele origin: germline.

Ambry Genetics
Classification: Uncertain significance for Hereditary cancer-predisposing syndrome. Last evaluated: 2025-07-18. Review status: criteria provided, single submitter. Criteria: Ambry Variant Classification Scheme 2023. Collection method: clinical testing. Allele origin: germline.
Comment: The c.1569G>A variant (also known as p.S523S), located in coding exon 12 of the POT1 gene, results from a G to A substitution at nucleotide position 1569. This nucleotide substitution does not change the amino acid at codon 523. This nucleotide position is poorly conserved in available vertebrate species. In silico splice site analysis for this alteration is inconclusive and direct evidence is insufficient at this time (Ambry internal data). Based on the available evidence, the clinical significance of this variant remains unclear.

Blueprint Genetics
Classification: Likely benign. Last evaluated: 2024-11-19. Review status: criteria provided, single submitter. Criteria: ACMG Guidelines, 2015. Collection method: clinical testing. Allele origin: germline.

GeneDx
Classification: Likely benign. Last evaluated: 2021-10-12. Review status: criteria provided, single submitter. Criteria: GeneDx Variant Classification Process June 2021. Collection method: clinical testing. Allele origin: germline. Affected: yes.